The following is an entry in ClinVar:

ClinVar aggregate classification (germline): Uncertain significance. Review status: criteria provided, multiple submitters, no conflicts (2 of 4 stars). 3 submissions from 3 submitters: Uncertain significance (3). Last evaluated 2025-09-08.

Conditions:
Van Maldergem syndrome 1 (VMLDS1). Also called: Van Maldergem syndrome 1 (VMLDS1). Identifiers: Orphanet 314679, MedGen C4551950, MONDO:0011070, OMIM 601390.

Allele frequency attached by ClinVar (database versions not stated): TOPMed 0.00001; gnomAD 0.00001; gnomAD exomes 0.00001; ExAC 0.00002.
gnomAD v4.1: 18 of 1,613,812 alleles (0.0011%); highest among the groups gnomAD compares: Non-Finnish European, 0.00034%; no homozygotes.

Submissions (3):

Labcorp Genetics (formerly Invitae), Labcorp
Classification: Uncertain significance. Last evaluated: 2025-09-08. Review status: criteria provided, single submitter. Criteria: Invitae Variant Classification Sherloc (09022015). Collection method: clinical testing. Allele origin: germline.
Comment: This sequence change replaces proline, which is neutral and non-polar, with serine, which is neutral and polar, at codon 393 of the DCHS1 protein (p.Pro393Ser). This variant is present in population databases (rs769873436, gnomAD 0.05%). This variant has not been reported in the literature in individuals affected with DCHS1-related conditions. ClinVar contains an entry for this variant (Variation ID: 2672196). Invitae Evidence Modeling of protein sequence and biophysical properties (such as structural, functional, and spatial information, amino acid conservation, physicochemical variation, residue mobility, and thermodynamic stability) indicates that this missense variant is not expected to disrupt DCHS1 protein function with a negative predictive value of 80%. In summary, the available evidence is currently insufficient to determine the role of this variant in disease. Therefore, it has been classified as a Variant of Uncertain Significance.

GeneDx
Classification: Uncertain significance. Last evaluated: 2024-06-03. Review status: criteria provided, single submitter. Criteria: GeneDx Variant Classification Process June 2021. Collection method: clinical testing. Allele origin: germline. Affected: yes.
Comment: In silico analysis supports that this missense variant has a deleterious effect on protein structure/function; Has not been previously published as pathogenic or benign to our knowledge

Clinical Genomics Laboratory, Washington University in St. Louis
Classification: Uncertain significance for Van Maldergem syndrome 1. Last evaluated: 2023-08-06. Review status: criteria provided, single submitter. Criteria: ACMG Guidelines, 2015. Collection method: clinical testing. Allele origin: germline.
Comment: The DCHS1 c.1177C>T (p.Pro393Ser) variant was identified at near heterozygous allelic fraction. This variant, to our knowledge, has not been reported in the medical literature. The DCHS1 c.1177C>T (p.Pro393Ser) variant is only observed on 2/152210 alleles in the general population (gnomAD v.2.1.1), indicating it is not a common variant. Computational predictors are conflicting as to the impact of this variant on the DCHS1 function. Due to limited information and based on ACMG/AMP guidelines for variant interpretation (Richards S et al., PMID: 25741868), the clinical significance of this variant is uncertain at this time.

NM_003737.4(DCHS1):c.1177C>T (p.Pro393Ser)

Gene: DCHS1 (dachsous cadherin-related 1; minus strand). Cytogenetic location: 11p15.4.
Variant type: single nucleotide variant.
Coding change: c.1177C>T on transcript NM_003737.4 (MANE Select); coding-DNA position 1177, C replaced by T.
Protein change: p.Pro393Ser; replaces proline 393 with serine.
Molecular consequence: missense variant.
Genome position (GRCh38, 1-based): chr11:6,640,437, G>A on the plus strand (C>T on the coding strand, the complement: DCHS1 is on the minus strand). VCF-style: chr11-6640437-G-A. GRCh37 (hg19) VCF-style: chr11-6661668-G-A.
Other names: c.1177C>T (NM_003737.3); short protein forms P393S.
Identifiers: ClinVar variation 2672196 (VCV002672196.5), dbSNP rs769873436, ClinGen allele CA5861010.
Genomic context (GRCh38, chr11:6,640,437, plus strand): 5'-CAAAGTGGCCCTCTCCACCTTCCAGGGACACATTGACATGGGCAAAGTCACCATCATCTG[G>A]GTCTGACACAGAGATGCGAGCAACGAGCTGTCCAGGTGGGGCGGCCTCAGACACTTGGGG-3'
Protein context (NP_003728.1, residues 383-403): QLVARISVSD[Pro393Ser]DDGDFAHVNV